The following is an entry in ClinVar:

ClinVar aggregate classification (germline): Uncertain significance (1 of 4 stars; one submission).

Submission:

Labcorp Genetics (formerly Invitae), Labcorp
Classification: Uncertain significance. Last evaluated: 2025-05-15. Review status: criteria provided, single submitter. Criteria: Invitae Variant Classification Sherloc (09022015). Collection method: clinical testing. Allele origin: germline.
Comment: This sequence change replaces isoleucine, which is neutral and non-polar, with leucine, which is neutral and non-polar, at codon 849 of the DLC1 protein (p.Ile849Leu). This variant is not present in population databases (gnomAD no frequency). This variant has not been reported in the literature in individuals affected with DLC1-related conditions. ClinVar contains an entry for this variant (Variation ID: 1978130). An algorithm developed to predict the effect of missense changes on protein structure and function outputs the following: PolyPhen-2: "Benign". The leucine amino acid residue is found in multiple mammalian species, which suggests that this missense change does not adversely affect protein function. In summary, the available evidence is currently insufficient to determine the role of this variant in disease. Therefore, it has been classified as a Variant of Uncertain Significance.

NM_182643.3(DLC1):c.2545A>C (p.Ile849Leu)

Gene: DLC1 (DLC1 Rho GTPase activating protein; minus strand). Cytogenetic location: 8p22.
Variant type: single nucleotide variant.
Coding change: c.2545A>C on transcript NM_182643.3 (MANE Select); coding-DNA position 2545, A replaced by C.
Protein change: p.Ile849Leu; replaces isoleucine 849 with leucine.
Molecular consequence: missense variant.
Genome position (GRCh38, 1-based): chr8:13,099,792, T>G on the plus strand (A>C on the coding strand, the complement: DLC1 is on the minus strand). VCF-style: chr8-13099792-T-G. GRCh37 (hg19) VCF-style: chr8-12957301-T-G.
Other names: c.1336A>C, p.Ile446Leu (NM_001413129.1, NM_001316668.2); c.1327A>C, p.Ile443Leu (NM_001413130.1); c.985A>C, p.Ile329Leu (NM_001413131.1, NM_001413137.1); c.1471A>C, p.Ile491Leu (NM_001413132.1); c.1012A>C, p.Ile338Leu (NM_001413133.1, NM_001413138.1, NM_001164271.2 and 6 more transcripts); c.1234A>C, p.Ile412Leu (NM_001413135.1, NM_001413136.1, NM_001413139.1 and 1 more transcripts); c.2545A>C, p.Ile849Leu (NM_001348081.2, NM_001413124.1); c.1369A>C, p.Ile457Leu (NM_001413140.1); short protein forms I849L, I338L, I412L, I446L, I457L, I329L, I443L, I491L.
Identifiers: ClinVar variation 1978130 (VCV001978130.5), dbSNP rs1328954644, ClinGen allele CA370344914.